The following is an entry in ClinVar:

ClinVar aggregate classification (germline): Pathogenic/Likely pathogenic. Review status: criteria provided, multiple submitters, no conflicts (2 of 4 stars). 2 submissions from 2 submitters: Pathogenic (1); Likely pathogenic (1). Last evaluated 2024-12-04.

Conditions:
Peroxisome biogenesis disorder, complementation group 7 (CG7). Also called: Peroxisome biogenesis disorder, complementation group B. Identifiers: MedGen C1864399.
Zellweger spectrum disorders (ZS). Also called: Zellweger Spectrum Disorder (ZSD); Zellweger syndrome; Zellweger Spectrum Disorder; Zellweger Spectrum. Identifiers: Orphanet 912, MedGen C0043459, MONDO:0019609.

Submissions (2):

Labcorp Genetics (formerly Invitae), Labcorp
Classification: Pathogenic for Peroxisome biogenesis disorder, complementation group 7. Last evaluated: 2024-12-04. Review status: criteria provided, single submitter. Criteria: Invitae Variant Classification Sherloc (09022015). Collection method: clinical testing. Allele origin: germline.
Comment: This sequence change results in a frameshift in the PEX10 gene (p.Arg285Lysfs*69). While this is not anticipated to result in nonsense mediated decay, it is expected to disrupt the last 62 amino acid(s) of the PEX10 protein and extend the protein by 6 additional amino acid residues. This variant is not present in population databases (gnomAD no frequency). This variant has not been reported in the literature in individuals affected with PEX10-related conditions. This variant disrupts a region of the PEX10 protein in which other variant(s) (p.Cys296Phe) have been determined to be pathogenic (PMID: 27230853). This suggests that this is a clinically significant region of the protein, and that variants that disrupt it are likely to be disease-causing. For these reasons, this variant has been classified as Pathogenic.

Natera, Inc.
Classification: Likely pathogenic for Zellweger syndrome. Last evaluated: 2024-11-25. Review status: criteria provided, single submitter. Criteria: Natera Variant Classification Schema (03/2026). Collection method: clinical testing. Allele origin: germline.
Comment: The c.854_867del variant in PEX10 is a frameshift variant predicted to elongate the protein beyond the termination codon. This variant is expected to result in nonsense mediated decay, truncation, or a dysfunctional protein product. This variant is rare in the general population with a frequency below the threshold expected for the associated phenotype(s). Given the available evidence, this variant is classified as Likely Pathogenic.

Literature cited by the submitters: PubMed 27230853 (cited by Labcorp Genetics (formerly Invitae), Labcorp).

NM_002617.4(PEX10):c.794_807del (p.Arg265fs)

Gene: PEX10 (peroxisomal biogenesis factor 10; minus strand). Cytogenetic location: 1p36.32.
Variant type: Deletion.
Coding change: c.794_807del on transcript NM_002617.4 (MANE Select); coding-DNA positions 794 to 807, 14 bases deleted (GAGCCGTTTCCAGA).
Protein change: p.Arg265fs; shifts the reading frame from arginine 265.
Molecular consequence: frameshift variant. On other transcripts: non-coding transcript variant (1).
Genome position (GRCh38, 1-based): chr1:2,406,589-2,406,602, TCTGGAAACGGCTC deleted on the plus strand (GAGCCGTTTCCAGA on the coding strand, the reverse complement: PEX10 is on the minus strand); deleting any 14 consecutive bases within chr1:2,406,589-2,406,605 gives the same sequence; the c. name uses the placement nearest the transcript's 3' end. VCF-style (leftmost placement, unchanged base first): chr1-2406588-TTCTGGAAACGGCTC-T. GRCh37 (hg19) VCF-style: chr1-2338027-TTCTGGAAACGGCTC-T.
Other names: c.854_867del (NM_153818.1); c.851_864del, p.Arg284fs (NM_001374425.1); c.419_432del, p.Arg140fs (NM_001374426.1); c.362_375del, p.Arg121fs (NM_001374427.1); c.854_867del, p.Arg285fs (NM_153818.2); short protein forms R121fs, R284fs, R140fs, R265fs, R285fs.
Identifiers: ClinVar variation 3674950 (VCV003674950.3).